The following is an entry in ClinVar:

ClinVar aggregate classification (germline): Likely pathogenic (1 of 4 stars; one submission).

Conditions:
Atypical hemolytic-uremic syndrome. Identifiers: Orphanet 2134, MedGen C2931788, MONDO:0016244.

Submission:

Genomenon, Inc
Classification: Likely pathogenic for Atypical hemolytic-uremic syndrome. Last evaluated: 2025-09-26. Review status: criteria provided, single submitter. Criteria: Genomenon Sequence Variant Interpretation Standards - Updated. Collection method: curation. Allele origin: germline. Affected: yes.
Comment: DGKE p.His536GlnfsTer16 (c.1608_1609del) is a frameshift variant that results in the production of a truncated protein. This variant has been observed in at least one proband affected with atypical hemolytic-uremic syndrome (PMID:25135762;29500241). It is absent or not present at a significant frequency in gnomAD. In conclusion, we classify DGKE p.His536GlnfsTer16 (c.1608_1609del) as a likely pathogenic variant.

Literature cited by the submitters: PubMed 25135762; PubMed 29500241.

NM_003647.3(DGKE):c.1608_1609del (p.His536fs)

Gene: DGKE (diacylglycerol kinase epsilon; plus strand). Cytogenetic location: 17q22.
Variant type: Microsatellite.
Coding change: c.1608_1609del on transcript NM_003647.3 (MANE Select); coding-DNA positions 1608 to 1609, 2 bases deleted (CA; older notation c.1608_1609delCA).
Protein change: p.His536fs; shifts the reading frame from histidine 536.
Molecular consequence: frameshift variant.
Genome position (GRCh38, 1-based): chr17:56,862,695-56,862,696, CA deleted; deleting any 2 consecutive bases within chr17:56,862,693-56,862,696 gives the same sequence; the c. name uses the placement nearest the transcript's 3' end. VCF-style (leftmost placement, unchanged base first): chr17-56862692-TCA-T. GRCh37 (hg19) VCF-style: chr17-54940053-TCA-T.
Other names: short protein forms H536fs.
Identifiers: ClinVar variation 4280384 (VCV004280384.1).